The following is an entry in ClinVar:

NM_020066.5(FMN2):c.3405T>A (p.Leu1135=)

Gene: FMN2 (formin 2; plus strand). Cytogenetic location: 1q43.
Variant type: single nucleotide variant.
Coding change: c.3405T>A on transcript NM_020066.5 (MANE Select); coding-DNA position 3405, T replaced by A.
Protein change: p.Leu1135=; no amino-acid change (leucine 1135 retained).
Molecular consequence: synonymous variant. On other transcripts: intron variant (1).
Genome position (GRCh38, 1-based): chr1:240,208,217, T>A. VCF-style: chr1-240208217-T-A. GRCh37 (hg19) VCF-style: chr1-240371517-T-A.
Other names: c.3417T>A, p.Leu1139= (NM_001305424.2); c.1986+19955T>A (NM_001348094.2); c.3405T>A (NM_020066.4).
Identifiers: ClinVar variation 1176862 (VCV001176862.38), dbSNP rs369474345, ClinGen allele CA1477158.

ClinVar aggregate classification (germline): Likely benign. Review status: criteria provided, multiple submitters, no conflicts (2 of 4 stars). 4 submissions from 4 submitters: Likely benign (3). 1 of the submissions does not count toward it. Last evaluated 2026-10-01.

Conditions:
FMN2-related disorder. Also called: FMN2-related condition.

Allele frequency attached by ClinVar (database versions not stated): gnomAD exomes 0.00026; gnomAD 0.00077; ESP Exome Variant Server 0.00399.

Submissions (4):

CeGaT Center for Human Genetics Tuebingen
Classification: Likely benign. Last evaluated: 2026-10-01. Review status: criteria provided, single submitter. Criteria: CeGaT Center For Human Genetics Tuebingen Variant Classification Criteria Version 2. Collection method: clinical testing. Allele origin: germline. Affected: yes. Observed: 20 variant alleles.
Comment: FMN2: BP4, BP7

Blueprint Genetics
Classification: Likely benign. Last evaluated: 2024-11-26. Review status: criteria provided, single submitter. Criteria: ACMG Guidelines, 2015. Collection method: clinical testing. Allele origin: germline.

Breakthrough Genomics
Classification: Likely benign. Review status: criteria provided, single submitter. Criteria: ACMG Guidelines, 2015. Collection method: not provided. Allele origin: germline. Inheritance: Autosomal recessive inheritance. Affected: yes.

PreventionGenetics, part of Exact Sciences
Classification: Likely benign for FMN2-related condition. Last evaluated: 2019-05-07. Review status: no assertion criteria provided. Collection method: clinical testing. Allele origin: germline. Not counted in ClinVar's aggregate classification.
Comment: This variant is classified as likely benign based on ACMG/AMP sequence variant interpretation guidelines (Richards et al. 2015 PMID: 25741868, with internal and published modifications).